The following is an entry in ClinVar:

ClinVar aggregate classification (germline): Benign/Likely benign. Review status: criteria provided, multiple submitters, no conflicts (2 of 4 stars). 4 submissions from 4 submitters: Benign (1); Likely benign (3). Last evaluated 2025-03-28.

Conditions:
Hereditary cancer-predisposing syndrome. Also called: Hereditary neoplastic syndrome; Tumor predisposition; Neoplastic Syndromes, Hereditary; Hereditary Cancer Syndrome. Identifiers: Orphanet 140162, MedGen C0027672, MeSH D009386, MONDO:0015356.
BAP1-related tumor predisposition syndrome (TPDS1). Also called: Tumor susceptibility linked to germline BAP1 mutations; COMMON Syndrome; BAP1 tumor predisposition syndrome; TUMOR PREDISPOSITION SYNDROME 1. Identifiers: Orphanet 289539, MedGen C3280492, MONDO:0013692, OMIM 614327.

Allele frequency attached by ClinVar (database versions not stated): gnomAD exomes below 0.00001 and 0.00001; TOPMed below 0.00001; gnomAD 0.00001.
gnomAD v4.1: 5 of 1,613,968 alleles (0.00031%); highest among the groups gnomAD compares: South Asian, 0.0011%; no homozygotes.

Submissions (4):

Ambry Genetics
Classification: Likely benign for Hereditary cancer-predisposing syndrome. Last evaluated: 2025-03-28. Review status: criteria provided, single submitter. Criteria: Ambry Variant Classification Scheme 2023. Collection method: clinical testing. Allele origin: germline.

Labcorp Genetics (formerly Invitae), Labcorp
Classification: Likely benign for BAP1-related tumor predisposition syndrome. Last evaluated: 2025-03-12. Review status: criteria provided, single submitter. Criteria: Invitae Variant Classification Sherloc (09022015). Collection method: clinical testing. Allele origin: germline.

Myriad Genetics, Inc.
Classification: Benign for BAP1-related tumor predisposition syndrome. Last evaluated: 2024-07-16. Review status: criteria provided, single submitter. Criteria: Myriad Autosomal Dominant, Autosomal Recessive and X-Linked Classification Criteria (2023). Collection method: clinical testing. Allele origin: unknown.
Comment: This variant is considered benign. This variant is a silent/synonymous amino acid change and it is not expected to impact splicing.

Sema4
Classification: Likely benign for Hereditary cancer-predisposing syndrome. Last evaluated: 2022-03-09. Review status: criteria provided, single submitter. Criteria: Sema4 Curation Guidelines. Collection method: curation. Allele origin: germline.

NM_004656.4(BAP1):c.1356C>T (p.Leu452=)

Gene: BAP1 (BRCA1 associated deubiquitinase 1; minus strand). Cytogenetic location: 3p21.1.
Variant type: single nucleotide variant.
Coding change: c.1356C>T on transcript NM_004656.4 (MANE Select); coding-DNA position 1356, C replaced by T.
Protein change: p.Leu452=; no amino-acid change (leucine 452 retained).
Molecular consequence: synonymous variant.
Genome position (GRCh38, 1-based): chr3:52,403,789, G>A on the plus strand (C>T on the coding strand, the complement: BAP1 is on the minus strand). VCF-style: chr3-52403789-G-A. GRCh37 (hg19) VCF-style: chr3-52437805-G-A.
Other names: c.1302C>T, p.Leu434= (NM_001410772.1).
Identifiers: ClinVar variation 1692859 (VCV001692859.5), dbSNP rs1303107395, ClinGen allele CA433886372.